The following is an entry in ClinVar:

NM_201384.3(PLEC):c.1214C>T (p.Ala405Val)

Gene: PLEC (plectin; minus strand). Cytogenetic location: 8q24.3.
Variant type: single nucleotide variant.
Coding change: c.1214C>T on transcript NM_201384.3 (MANE Select); coding-DNA position 1214, C replaced by T.
Protein change: p.Ala405Val; replaces alanine 405 with valine.
Molecular consequence: missense variant.
Genome position (GRCh38, 1-based): chr8:143,934,047, G>A on the plus strand (C>T on the coding strand, the complement: PLEC is on the minus strand). VCF-style: chr8-143934047-G-A. GRCh37 (hg19) VCF-style: chr8-145008215-G-A.
Other names: c.1295C>T (NM_000445.3); c.1295C>T, p.Ala432Val (NM_000445.5); c.1172C>T, p.Ala391Val (NM_201378.4); c.1148C>T, p.Ala383Val (NM_201379.3); c.1625C>T, p.Ala542Val (NM_201380.4); c.1118C>T, p.Ala373Val (NM_201381.3); c.1214C>T, p.Ala405Val (NM_201382.4); c.1226C>T, p.Ala409Val (NM_201383.3); short protein forms A373V, A383V, A391V, A405V, A409V, A432V, A542V.
Identifiers: ClinVar variation 194175 (VCV000194175.16), dbSNP rs377430087, ClinGen allele CA240018.

ClinVar aggregate classification (germline): Uncertain significance. Review status: criteria provided, multiple submitters, no conflicts (2 of 4 stars). 4 submissions from 4 submitters: Uncertain significance (4). Last evaluated 2024-10-14.

Conditions:
Autosomal recessive limb-girdle muscular dystrophy type 2Q (LGMDR17). Also called: MUSCULAR DYSTROPHY, LIMB-GIRDLE, AUTOSOMAL RECESSIVE 17. Identifiers: Orphanet 254361, MedGen C3150989, MONDO:0013390, OMIM 613723.
Epidermolysis bullosa simplex 5B, with muscular dystrophy (EBS5B). Also called: EPIDERMOLYSIS BULLOSA SIMPLEX AND LIMB-GIRDLE MUSCULAR DYSTROPHY; Epidermolysis bullosa simplex with muscular dystrophy. Identifiers: Orphanet 257, MedGen C2931072, MONDO:0009181, OMIM 226670.
Epidermolysis bullosa simplex, Ogna type (EBS5A). Also called: EPIDERMOLYSIS BULLOSA SIMPLEX 5A, OGNA TYPE; Pidermolysis bullosa simplex 5A, Ogna type. Identifiers: Orphanet 79401, MedGen C0432317, MONDO:0007555, OMIM 131950.
Epidermolysis bullosa simplex 5C, with pyloric atresia (EBS5C). Also called: PLEC-Related Epidermolysis Bullosa with Pyloric Atresia; Epidermolysis bullosa simplex with pyloric atresia; PLEC1-Related Epidermolysis Bullosa with Pyloric Atresia. Identifiers: Orphanet 158684, MedGen C2677349, MONDO:0012807, OMIM 612138.
Epidermolysis bullosa simplex with nail dystrophy (EBS5D). Identifiers: MedGen C4225309, MONDO:0014661, OMIM 616487.
Inborn genetic diseases. Identifiers: MedGen C0950123, MeSH D030342.

Allele frequency attached by ClinVar (database versions not stated): gnomAD exomes 0.00001; ExAC 0.00003; gnomAD 0.00003; TOPMed 0.00003; ESP Exome Variant Server 0.00008.
gnomAD v4.1: 13 of 1,611,574 alleles (0.00081%); highest among the groups gnomAD compares: African/African-American, 0.0053%; no homozygotes.

Submissions (4):

Labcorp Genetics (formerly Invitae), Labcorp
Classification: Uncertain significance for Autosomal recessive limb-girdle muscular dystrophy type 2Q; Epidermolysis bullosa simplex, Ogna type; Epidermolysis bullosa simplex with nail dystrophy; Epidermolysis bullosa simplex 5C, with pyloric atresia; Epidermolysis bullosa simplex 5B, with muscular dystrophy. Last evaluated: 2024-10-14. Review status: criteria provided, single submitter. Criteria: Invitae Variant Classification Sherloc (09022015). Collection method: clinical testing. Allele origin: germline.
Comment: This sequence change replaces alanine, which is neutral and non-polar, with valine, which is neutral and non-polar, at codon 432 of the PLEC protein (p.Ala432Val). This variant is present in population databases (rs377430087, gnomAD 0.004%). This variant has not been reported in the literature in individuals affected with PLEC-related conditions. ClinVar contains an entry for this variant (Variation ID: 194175). Experimental studies and prediction algorithms are not available or were not evaluated, and the functional significance of this variant is currently unknown. In summary, the available evidence is currently insufficient to determine the role of this variant in disease. Therefore, it has been classified as a Variant of Uncertain Significance.

Ambry Genetics
Classification: Uncertain significance for Inborn genetic diseases. Last evaluated: 2021-07-20. Review status: criteria provided, single submitter. Criteria: Ambry Variant Classification Scheme 2023. Collection method: clinical testing. Allele origin: germline.

Revvity Omics, Revvity
Classification: Uncertain significance. Last evaluated: 2021-06-17. Review status: criteria provided, single submitter. Criteria: ACMG Guidelines, 2015. Collection method: clinical testing. Allele origin: germline.

Eurofins Ntd Llc (ga)
Classification: Uncertain significance. Last evaluated: 2015-05-05. Review status: criteria provided, single submitter. Criteria: EGL Classification Definitions 2015. Collection method: clinical testing. Allele origin: germline. Observed: 2 variant alleles, 2 heterozygotes.